The following is an entry in ClinVar:

NM_000059.4(BRCA2):c.2749G>A (p.Val917Ile)

Gene: BRCA2 (BRCA2 DNA repair associated; plus strand). Cytogenetic location: 13q13.1.
Variant type: single nucleotide variant.
Coding change: c.2749G>A on transcript NM_000059.4 (MANE Select); coding-DNA position 2749, G replaced by A.
Protein change: p.Val917Ile; replaces valine 917 with isoleucine.
Molecular consequence: missense variant.
Genome position (GRCh38, 1-based): chr13:32,337,104, G>A. VCF-style: chr13-32337104-G-A. GRCh37 (hg19) VCF-style: chr13-32911241-G-A.
Other names: short protein forms V917I.
Identifiers: ClinVar variation 438960 (VCV000438960.15), dbSNP rs1555282822, ClinGen allele CA387773636.

ClinVar aggregate classification (germline): Conflicting classifications of pathogenicity. Review status: criteria provided, conflicting classifications (1 of 4 stars). 7 submissions from 7 submitters: Uncertain significance (6); Likely benign (1). Last evaluated 2024-03-05.

Conditions:
Hereditary cancer-predisposing syndrome. Also called: Hereditary neoplastic syndrome; Hereditary Cancer Syndrome; Tumor predisposition; Neoplastic Syndromes, Hereditary. Identifiers: Orphanet 140162, MedGen C0027672, MeSH D009386, MONDO:0015356.
Hereditary breast ovarian cancer syndrome. Also called: Breast and ovarian cancer; Hereditary breast and ovarian cancer; BRCA1- and BRCA2-Associated Hereditary Breast and Ovarian Cancer; Hereditary breast and/or ovarian cancer syndrome; Hereditary breast and ovarian cancer syndrome; Hereditary breast and ovarian cancer syndrome (HBOC). Identifiers: Orphanet 145, MedGen C0677776, MeSH D061325, MONDO:0003582. Disease mechanism: loss of function.
BRCA2-related cancer predisposition. Identifiers: MedGen CN377758, MONDO:0700269.

Allele frequency attached by ClinVar (database versions not stated): gnomAD exomes below 0.00001.
gnomAD v4.1: 1 of 1,613,774 alleles (0.000062%); highest among the groups gnomAD compares: Non-Finnish European, 0.000085%; no homozygotes.

Submissions (7):

All of Us Research Program, National Institutes of Health
Classification: Uncertain significance for BRCA2-related cancer predisposition. Last evaluated: 2024-03-05. Review status: criteria provided, single submitter. Criteria: ACMG Guidelines, 2015. Collection method: clinical testing. Allele origin: germline. Inheritance: Autosomal dominant inheritance. Observed: 1 variant allele, 1 heterozygote.
Comment: This study involves interpretation of variants in research participants for the purpose of population health screening. Participant phenotype was not available at the time of variant classification. Additional details can be found in publication PMID: 35346344, PMCID: PMC8962531

Labcorp Genetics (formerly Invitae), Labcorp
Classification: Uncertain significance for Hereditary breast ovarian cancer syndrome. Last evaluated: 2023-11-11. Review status: criteria provided, single submitter. Criteria: Invitae Variant Classification Sherloc (09022015). Collection method: clinical testing. Allele origin: germline.
Comment: This sequence change replaces valine, which is neutral and non-polar, with isoleucine, which is neutral and non-polar, at codon 917 of the BRCA2 protein (p.Val917Ile). This variant is not present in population databases (gnomAD no frequency). This variant has not been reported in the literature in individuals affected with BRCA2-related conditions. ClinVar contains an entry for this variant (Variation ID: 438960). Advanced modeling of protein sequence and biophysical properties (such as structural, functional, and spatial information, amino acid conservation, physicochemical variation, residue mobility, and thermodynamic stability) performed at Invitae indicates that this missense variant is not expected to disrupt BRCA2 protein function with a negative predictive value of 95%. In summary, the available evidence is currently insufficient to determine the role of this variant in disease. Therefore, it has been classified as a Variant of Uncertain Significance.

GeneDx
Classification: Uncertain significance. Last evaluated: 2023-05-23. Review status: criteria provided, single submitter. Criteria: GeneDx Variant Classification Process June 2021. Collection method: clinical testing. Allele origin: germline. Affected: yes.
Comment: Not observed at significant frequency in large population cohorts (gnomAD); In silico analysis supports that this missense variant does not alter protein structure/function; Has not been previously published as pathogenic or benign to our knowledge; Also known as 2977G>A

University of Washington Department of Laboratory Medicine, University of Washington
Classification: Likely benign for Hereditary cancer-predisposing syndrome. Last evaluated: 2023-03-23. Review status: criteria provided, single submitter. Criteria: Dines et al. (Genet Med. 2020). Collection method: curation. Allele origin: germline.
Comment: Missense variant in a coldspot region where missense variants are very unlikely to be pathogenic (PMID:31911673).

BRCA2 exon 11 coldspot. Reclassification based on statistical prior probability.

Women's Health and Genetics/Laboratory Corporation of America, LabCorp
Classification: Uncertain significance. Last evaluated: 2022-08-01. Review status: criteria provided, single submitter. Criteria: LabCorp Variant Classification Summary - May 2015. Collection method: clinical testing. Allele origin: germline.

Ambry Genetics
Classification: Uncertain significance for Hereditary cancer-predisposing syndrome. Last evaluated: 2022-05-01. Review status: criteria provided, single submitter. Criteria: Ambry Variant Classification Scheme 2023. Collection method: clinical testing. Allele origin: germline.
Comment: The p.V917I variant (also known as c.2749G>A), located in coding exon 10 of the BRCA2 gene, results from a G to A substitution at nucleotide position 2749. The valine at codon 917 is replaced by isoleucine, an amino acid with highly similar properties. This amino acid position is conserved. In addition, this alteration is predicted to be tolerated by in silico analysis. Since supporting evidence is limited at this time, the clinical significance of this alteration remains unclear.

Quest Diagnostics Nichols Institute San Juan Capistrano
Classification: Uncertain significance. Last evaluated: 2016-12-14. Review status: criteria provided, single submitter. Criteria: Quest Diagnostics criteria. Collection method: clinical testing. Allele origin: germline.